The following is an entry in ClinVar:

ClinVar aggregate classification (germline): Likely pathogenic (1 of 4 stars; one submission).

Conditions:
Hereditary breast ovarian cancer syndrome. Also called: Hereditary breast and ovarian cancer; Hereditary breast and ovarian cancer syndrome (HBOC); Breast and ovarian cancer; Hereditary breast and ovarian cancer syndrome; BRCA1- and BRCA2-Associated Hereditary Breast and Ovarian Cancer; Hereditary breast and/or ovarian cancer syndrome. Identifiers: Orphanet 145, MedGen C0677776, MeSH D061325, MONDO:0003582. Disease mechanism: loss of function.

Submission:

Women's Health and Genetics/Laboratory Corporation of America, LabCorp
Classification: Likely pathogenic for Hereditary breast and ovarian cancer syndrome. Last evaluated: 2018-06-08. Review status: criteria provided, single submitter. Criteria: LabCorp Variant Classification Summary - May 2015. Collection method: clinical testing. Allele origin: germline.
Comment: Variant summary: BRCA2 c.6999dupA (p.Pro2334ThrfsX6) results in a premature termination codon, predicted to cause a truncation of the encoded protein or absence of the protein due to nonsense mediated decay, which are commonly known mechanisms for disease. Truncations downstream of this position have been classified as pathogenic by our laboratory (eg. c.7025_7026delAA (p.Gln2342fsX17), c.7069_7070delCT (p.Leu2357fsX2), and c.7133C>G (p.Ser2378X)). The variant was absent in 244336 control chromosomes (gnomAD). The variant, c.6999dupA, has been reported in the literature in an individual diagnosed with lung squamous cell carcinoma (Lu_2015). To our knowledge, no experimental evidence demonstrating an impact on protein function has been reported. No clinical diagnostic laboratories have submitted clinical-significance assessments for this variant to ClinVar after 2014. Based on the evidence outlined above, the variant was classified as likely pathogenic.

Literature cited by the submitters: PubMed 26689913.

NM_000059.4(BRCA2):c.6999dup (p.Pro2334fs)

Gene: BRCA2 (BRCA2 DNA repair associated; plus strand). Cytogenetic location: 13q13.1.
Variant type: Duplication.
Coding change: c.6999dup on transcript NM_000059.4 (MANE Select); coding-DNA position 6999, one base duplicated (A; older notation c.6999dupA).
Protein change: p.Pro2334fs; shifts the reading frame from proline 2334.
Molecular consequence: frameshift variant.
Genome position (GRCh38, 1-based): chr13:32,346,888, A duplicated. VCF-style (leftmost placement, unchanged base first): chr13-32346887-T-TA. GRCh37 (hg19) VCF-style: chr13-32921024-T-TA.
Other names: c.6999dupA (NM_000059.3); short protein forms P2334fs.
Identifiers: ClinVar variation 632697 (VCV000632697.1), dbSNP rs1566237861, ClinGen allele CA913191191.
Genomic context (GRCh38, chr13:32,346,887, plus strand): 5'-GCACAATAAAAGATCGAAGATTGTTTATGCATCATGTTTCTTTAGAGCCGATTACCTGTG[T>TA]ACCCTTTCGGTAAGACATGTTTAAATTTTTCTAAATTCTAATACAGTATGAGAAAAGTCT-3'